The following is an entry in ClinVar:

ClinVar aggregate classification (germline): Benign. Review status: criteria provided, multiple submitters, no conflicts (2 of 4 stars). 3 submissions from 3 submitters: Benign (2). 1 of the submissions does not count toward it. Last evaluated 2018-08-06.

Conditions:
SHROOM3-related disorder. Also called: SHROOM3-related condition.

Allele frequency attached by ClinVar (database versions not stated): TOPMed 0.00355; 1000 Genomes Project 30x 0.00531; ESP Exome Variant Server 0.00284; 1000 Genomes Project 0.00439; gnomAD 0.00299.
gnomAD v4.1: 928 of 1,613,962 alleles (0.057%); highest among the groups gnomAD compares: African/African-American, 1.1%; 3 homozygotes.

Submissions (4):

Labcorp Genetics (formerly Invitae), Labcorp
Classification: Benign. Last evaluated: 2018-08-06. Review status: criteria provided, single submitter. Criteria: Invitae Variant Classification Sherloc (09022015). Collection method: clinical testing. Allele origin: germline.

Breakthrough Genomics
Classification: Benign. Review status: criteria provided, single submitter. Criteria: ACMG Guidelines, 2015. Collection method: not provided. Allele origin: germline. Inheritance: Unknown mechanism. Affected: yes.

PreventionGenetics, part of Exact Sciences
Classification: Benign for SHROOM3-related condition. Last evaluated: 2019-04-18. Review status: no assertion criteria provided. Collection method: clinical testing. Allele origin: germline. Not counted in ClinVar's aggregate classification.
Comment: This variant is classified as benign based on ACMG/AMP sequence variant interpretation guidelines (Richards et al. 2015 PMID: 25741868, with internal and published modifications).

Dr. Peter K. Rogan Lab, Western University
No classification provided (evidence only). Condition: Uterine corpus endometrial carcinoma. Review status: no classification provided. Collection method: in vitro. Allele origin: not applicable. Functional consequence: skipped exon. Not counted in ClinVar's aggregate classification.

NM_020859.4(SHROOM3):c.1839G>A (p.Ala613=)

Genes: SHROOM3 (shroom family member 3; plus strand), SHROOM3-AS1 (SHROOM3 antisense RNA 1; minus strand). Cytogenetic location: 4q21.1.
Variant type: single nucleotide variant.
Coding change: c.1839G>A on transcript NM_020859.4 (MANE Select); coding-DNA position 1839, G replaced by A.
Protein change: p.Ala613=; no amino-acid change (alanine 613 retained).
Molecular consequence: synonymous variant.
Genome position (GRCh38, 1-based): chr4:76,740,012, G>A. VCF-style: chr4-76740012-G-A. GRCh37 (hg19) VCF-style: chr4-77661165-G-A.
Other names: NC_000004.11:g.77661165G>A.
Identifiers: ClinVar variation 735127 (VCV000735127.7), dbSNP rs61741120, ClinGen allele CA2972420.